The following is an entry in ClinVar:

NM_001384474.1(LOXHD1):c.57C>G (p.Tyr19Ter)

Gene: LOXHD1 (lipoxygenase homology PLAT domains 1; minus strand). Cytogenetic location: 18q21.1.
Variant type: single nucleotide variant.
Coding change: c.57C>G on transcript NM_001384474.1 (MANE Select); coding-DNA position 57, C replaced by G.
Protein change: p.Tyr19Ter; replaces tyrosine 19 with a stop codon.
Molecular consequence: nonsense.
Genome position (GRCh38, 1-based): chr18:46,656,977, G>C on the plus strand (C>G on the coding strand, the complement: LOXHD1 is on the minus strand). VCF-style: chr18-46656977-G-C. GRCh37 (hg19) VCF-style: chr18-44236940-G-C.
Other names: c.57C>G, p.Tyr19Ter (NM_144612.7); short protein forms Y19*.
Identifiers: ClinVar variation 2873900 (VCV002873900.3), dbSNP rs1175936301, ClinGen allele CA402374516.

ClinVar aggregate classification (germline): Pathogenic (1 of 4 stars; one submission).

gnomAD v4.1: 3 of 1,551,640 alleles (0.00019%); highest among the groups gnomAD compares: South Asian, 0.0012%; no homozygotes.

Submission:

Labcorp Genetics (formerly Invitae), Labcorp
Classification: Pathogenic. Last evaluated: 2023-11-21. Review status: criteria provided, single submitter. Criteria: Invitae Variant Classification Sherloc (09022015). Collection method: clinical testing. Allele origin: germline.
Comment: This sequence change creates a premature translational stop signal (p.Tyr19*) in the LOXHD1 gene. It is expected to result in an absent or disrupted protein product. Loss-of-function variants in LOXHD1 are known to be pathogenic (PMID: 19732867, 21465660, 25792669). This variant is present in population databases (no rsID available, gnomAD 0.002%). This variant has not been reported in the literature in individuals affected with LOXHD1-related conditions. For these reasons, this variant has been classified as Pathogenic.

Literature cited by the submitters: PubMed 19732867; PubMed 21465660; PubMed 25792669.